The following is an entry in ClinVar:

NM_000298.6(PKLR):c.1168G>A (p.Asp390Asn)

Gene: PKLR (pyruvate kinase L/R; minus strand). Cytogenetic location: 1q22.
Variant type: single nucleotide variant.
Coding change: c.1168G>A on transcript NM_000298.6 (MANE Select); coding-DNA position 1168, G replaced by A.
Protein change: p.Asp390Asn; replaces aspartic acid 390 with asparagine.
Molecular consequence: missense variant.
Genome position (GRCh38, 1-based): chr1:155,293,539, C>T on the plus strand (G>A on the coding strand, the complement: PKLR is on the minus strand). VCF-style: chr1-155293539-C-T. GRCh37 (hg19) VCF-style: chr1-155263330-C-T.
Other names: p.Asp390Asn; c.1075G>A, p.Asp359Asn (NM_181871.4); c.1168G>A (NM_000298.5); short protein forms D359N, D390N.
Identifiers: ClinVar variation 1469002 (VCV001469002.9), dbSNP rs147034239, ClinGen allele CA30902071.

ClinVar aggregate classification (germline): Pathogenic/Likely pathogenic. Review status: criteria provided, multiple submitters, no conflicts (2 of 4 stars). 3 submissions from 3 submitters: Pathogenic (2); Likely pathogenic (1). Last evaluated 2025-01-01.

Allele frequency attached by ClinVar (database versions not stated): gnomAD exomes below 0.00001; TOPMed 0.00001; ESP Exome Variant Server 0.00008.

Submissions (3):

Labcorp Genetics (formerly Invitae), Labcorp
Classification: Likely pathogenic. Last evaluated: 2025-01-01. Review status: criteria provided, single submitter. Criteria: Invitae Variant Classification Sherloc (09022015). Collection method: clinical testing. Allele origin: germline.
Comment: This sequence change replaces aspartic acid, which is acidic and polar, with asparagine, which is neutral and polar, at codon 390 of the PKLR protein (p.Asp390Asn). This variant is not present in population databases (gnomAD no frequency). This missense change has been observed in individual(s) with pyruvate kinase deficiency (PMID: 9160692, 17977029, 26315463, 27871768; internal data). ClinVar contains an entry for this variant (Variation ID: 1469002). Invitae Evidence Modeling of protein sequence and biophysical properties (such as structural, functional, and spatial information, amino acid conservation, physicochemical variation, residue mobility, and thermodynamic stability) indicates that this missense variant is expected to disrupt PKLR protein function with a positive predictive value of 80%. Experimental studies have shown that this missense change affects PKLR function (PMID: 11960989, 26549847). This variant disrupts the p.Asp390 amino acid residue in PKLR. Other variant(s) that disrupt this residue have been observed in individuals with PKLR-related conditions (PMID: 31747117), which suggests that this may be a clinically significant amino acid residue. In summary, the currently available evidence indicates that the variant is pathogenic, but additional data are needed to prove that conclusively. Therefore, this variant has been classified as Likely Pathogenic.

Revvity Omics, Revvity
Classification: Pathogenic. Last evaluated: 2023-05-19. Review status: criteria provided, single submitter. Criteria: ACMG Guidelines, 2015. Collection method: clinical testing. Allele origin: germline.

Mayo Clinic Laboratories, Mayo Clinic
Classification: Pathogenic. Last evaluated: 2022-06-03. Review status: criteria provided, single submitter. Criteria: ACMG Guidelines, 2015. Collection method: clinical testing. Allele origin: germline. Observed: 1 variant allele.
Comment: PP3, PM1, PM2, PM3, PS3, PS4_moderate

Literature cited by the submitters: PubMed 9160692 (cited by Labcorp Genetics (formerly Invitae), Labcorp); PubMed 17977029 (cited by Labcorp Genetics (formerly Invitae), Labcorp); PubMed 26315463 (cited by Labcorp Genetics (formerly Invitae), Labcorp); PubMed 27871768 (cited by Labcorp Genetics (formerly Invitae), Labcorp); PubMed 11960989 (cited by Labcorp Genetics (formerly Invitae), Labcorp); PubMed 26549847 (cited by Labcorp Genetics (formerly Invitae), Labcorp); PubMed 31747117 (cited by Labcorp Genetics (formerly Invitae), Labcorp).